The following is an entry in ClinVar:

NM_000531.6(OTC):c.793T>C (p.Trp265Arg)

Gene: OTC (ornithine transcarbamylase; plus strand). Cytogenetic location: Xp11.4.
Variant type: single nucleotide variant.
Coding change: c.793T>C on transcript NM_000531.6 (MANE Select); coding-DNA position 793, T replaced by C.
Protein change: p.Trp265Arg; replaces tryptophan 265 with arginine.
Molecular consequence: missense variant.
Genome position (GRCh38, 1-based): chrX:38,408,951, T>C. VCF-style: chrX-38408951-T-C. GRCh37 (hg19) VCF-style: chrX-38268204-T-C.
Other names: short protein forms W265R.
Identifiers: ClinVar variation 97329 (VCV000097329.3), dbSNP rs72558445, ClinGen allele CA224793.

ClinVar aggregate classification (germline): Uncertain significance. Review status: criteria provided, single submitter (1 of 4 stars). 2 submissions from 2 submitters: Uncertain significance (1). 1 of the submissions does not count toward it. Last evaluated 2023-01-25.

Conditions:
OTC-related disorder. Also called: OTC-related condition.

Submissions (2):

PreventionGenetics, part of Exact Sciences
Classification: Uncertain significance for OTC-related condition. Last evaluated: 2023-01-25. Review status: criteria provided, single submitter. Criteria: ACMG Guidelines, 2015. Collection method: clinical testing. Allele origin: germline.
Comment: The OTC c.793T>C variant is predicted to result in the amino acid substitution p.Trp265Arg. This variant has been reported in a patient with late-onset ornithine transcarbamylase (OTC) deficiency (Supplementary Table S1, Yamaguchi et al. 2006. PubMed ID: 16786505). Of note, another variant (c.794G>T) impacting the same codon but leading to a different amino acid change (p.Trp265Leu) has been reported in two unrelated males with mild OTC deficiency, and analysis of liver biopsies from these patients showed a decrease in OTC activity (Giorgi et al. 2000. PubMed ID: 10737985). This variant has not been reported in a large population database, indicating this variant is rare. Although we suspect that this variant may be pathogenic, at this time, the clinical significance of this variant is uncertain due to the absence of conclusive functional and genetic evidence.

GenMed Metabolism Lab
Classification: Pathogenic. Review status: no assertion criteria provided. Collection method: not provided. Allele origin: unknown. Not counted in ClinVar's aggregate classification.
Comment: p.Trp265Arg, Late
ClinVar note: Converted during submission from pathogenic to Pathogenic.